The following is an entry in ClinVar:

ClinVar aggregate classification (germline): Pathogenic. Review status: criteria provided, multiple submitters, no conflicts (2 of 4 stars). 2 submissions from 2 submitters: Pathogenic (2). Last evaluated 2026-07-06.

Conditions:
Hermansky-Pudlak syndrome 1 (HPS1). Also called: DELTA STORAGE POOL DISEASE. Identifiers: Orphanet 231500, Orphanet 79430, MedGen C2931875, MONDO:0008748, OMIM 203300.

Submissions (2):

Myriad Genetics, Inc.
Classification: Pathogenic for Hermansky-Pudlak syndrome 1. Last evaluated: 2026-07-06. Review status: criteria provided, single submitter. Criteria: Myriad Autosomal Dominant, Autosomal Recessive and X-Linked Classification Criteria (2023). Collection method: clinical testing. Allele origin: unknown.
Comment: NM_000195.3(HPS1):c.1481dupG(G495Rfs*87) is expected to be pathogenic in the context of Hermansky-Pudlak syndrome, HPS1-related. This variant is predicted to lead to an abnormal or absent protein product due to the creation of a premature termination codon in HPS1, a gene where loss-of-function variants are known to be pathogenic. Please note: this variant was assessed in the context of healthy population screening.

Labcorp Genetics (formerly Invitae), Labcorp
Classification: Pathogenic. Last evaluated: 2025-06-03. Review status: criteria provided, single submitter. Criteria: Invitae Variant Classification Sherloc (09022015). Collection method: clinical testing. Allele origin: germline.
Comment: This sequence change creates a premature translational stop signal (p.Gly495Argfs*87) in the HPS1 gene. It is expected to result in an absent or disrupted protein product. Loss-of-function variants in HPS1 are known to be pathogenic (PMID: 12442288, 16185271). This variant is present in population databases (no rsID available, gnomAD 0.007%). This variant has not been reported in the literature in individuals affected with HPS1-related conditions. ClinVar contains an entry for this variant (Variation ID: 2769996). For these reasons, this variant has been classified as Pathogenic.

Literature cited by the submitters: PubMed 12442288 (cited by Labcorp Genetics (formerly Invitae), Labcorp); PubMed 16185271 (cited by Labcorp Genetics (formerly Invitae), Labcorp).

NM_000195.5(HPS1):c.1481dup (p.Gly495fs)

Gene: HPS1 (HPS1 biogenesis of lysosomal organelles complex 3 subunit 1; minus strand). Cytogenetic location: 10q24.2.
Variant type: Duplication.
Coding change: c.1481dup on transcript NM_000195.5 (MANE Select); coding-DNA position 1481, one base duplicated (G; older notation c.1481dupG).
Protein change: p.Gly495fs; shifts the reading frame from glycine 495.
Molecular consequence: frameshift variant.
Genome position (GRCh38, 1-based): chr10:98,423,804, C duplicated on the plus strand (G on the coding strand, the reverse complement: HPS1 is on the minus strand); the first of 4 consecutive C bases (chr10:98,423,804-98,423,807); duplicating any one gives the same sequence. VCF-style (leftmost placement, unchanged base first): chr10-98423803-T-TC. GRCh37 (hg19) VCF-style: chr10-100183560-T-TC.
Other names: c.509dup, p.Gly171fs (NM_001311345.2, NM_001322487.2, NM_001322489.2); c.1481dup, p.Gly495fs (NM_001322476.2, NM_001322477.2); c.1112dup, p.Gly372fs (NM_001322484.2, NM_001322483.2); c.1013dup, p.Gly339fs (NM_001322485.2); c.1382dup, p.Gly462fs (NM_001322478.2, NM_001322479.2); c.1220dup, p.Gly408fs (NM_001322480.2, NM_001322481.2); c.1121dup, p.Gly375fs (NM_001322482.2); short protein forms G339fs, G375fs, G171fs, G408fs, G462fs, G495fs, G372fs.
Identifiers: ClinVar variation 2769996 (VCV002769996.4), dbSNP rs1297265408, ClinGen allele CA595641978.